The following is an entry in ClinVar:

NM_001080467.3(MYO5B):c.1650C>T (p.Ile550=)

Gene: MYO5B (myosin VB; minus strand). Cytogenetic location: 18q21.1.
Variant type: single nucleotide variant.
Coding change: c.1650C>T on transcript NM_001080467.3 (MANE Select); coding-DNA position 1650, C replaced by T.
Protein change: p.Ile550=; no amino-acid change (isoleucine 550 retained).
Molecular consequence: synonymous variant.
Genome position (GRCh38, 1-based): chr18:49,954,331, G>A on the plus strand (C>T on the coding strand, the complement: MYO5B is on the minus strand). VCF-style: chr18-49954331-G-A. GRCh37 (hg19) VCF-style: chr18-47480701-G-A.
Identifiers: ClinVar variation 739066 (VCV000739066.9), dbSNP rs756229418, ClinGen allele CA8961448.

ClinVar aggregate classification (germline): Likely benign. Review status: criteria provided, multiple submitters, no conflicts (2 of 4 stars). 3 submissions from 3 submitters: Likely benign (2). 1 of the submissions does not count toward it. Last evaluated 2025-05-19.

Conditions:
MYO5B-related disorder. Also called: MYO5B-related condition.

Allele frequency attached by ClinVar (database versions not stated): ExAC 0.00002; gnomAD 0.00003; gnomAD exomes 0.00003 and 0.00004; TOPMed 0.00003.
gnomAD v4.1: 45 of 1,613,888 alleles (0.0028%); highest among the groups gnomAD compares: East Asian, 0.029%; no homozygotes.

Submissions (3):

Labcorp Genetics (formerly Invitae), Labcorp
Classification: Likely benign. Last evaluated: 2025-05-19. Review status: criteria provided, single submitter. Criteria: Invitae Variant Classification Sherloc (09022015). Collection method: clinical testing. Allele origin: germline.

Blueprint Genetics
Classification: Likely benign. Last evaluated: 2024-03-22. Review status: criteria provided, single submitter. Criteria: ACMG Guidelines, 2015. Collection method: clinical testing. Allele origin: germline.

PreventionGenetics, part of Exact Sciences
Classification: Likely benign for MYO5B-related condition. Last evaluated: 2024-02-20. Review status: no assertion criteria provided. Collection method: clinical testing. Allele origin: germline. Not counted in ClinVar's aggregate classification.
Comment: This variant is classified as likely benign based on ACMG/AMP sequence variant interpretation guidelines (Richards et al. 2015 PMID: 25741868, with internal and published modifications).